The following is an entry in ClinVar:

ClinVar aggregate classification (germline): Benign/Likely benign. Review status: criteria provided, multiple submitters, no conflicts (2 of 4 stars). 7 submissions from 7 submitters: Benign (1); Likely benign (5). 1 of the submissions does not count toward it. Last evaluated 2026-01-11.

Conditions:
MTMR2-related disorder. Also called: MTMR2-related condition.
Charcot-Marie-Tooth disease type 4. Also called: Charcot-Marie-Tooth disease, type IV; Charcot-Marie-Tooth, Type 4. Identifiers: Orphanet 64749, MedGen C4082197, MONDO:0018995.
Inborn genetic diseases. Identifiers: MedGen C0950123, MeSH D030342.
Charcot-Marie-Tooth disease type 4B1. Also called: CHARCOT-MARIE-TOOTH DISEASE, AUTOSOMAL RECESSIVE, WITH FOCALLY FOLDED MYELIN SHEATHS, AUTOSOMAL RECESSIVE, TYPE 4B1; CHARCOT-MARIE-TOOTH DISEASE, TYPE 4B; Charcot-Marie-Tooth Neuropathy Type 4B1; CHARCOT-MARIE-TOOTH DISEASE, DEMYELINATING, TYPE 4B1. Identifiers: Orphanet 99955, MedGen C1832399, MONDO:0011066, OMIM 601382.

Allele frequency attached by ClinVar (database versions not stated): gnomAD exomes 0.00020 and 0.00046; ExAC 0.00056; 1000 Genomes Project 0.00120; 1000 Genomes Project 30x 0.00141; gnomAD 0.00203 and 0.00216; TOPMed 0.00203; ESP Exome Variant Server 0.00223.
gnomAD v4.1: 598 of 1,574,660 alleles (0.038%); highest among the groups gnomAD compares: African/African-American, 0.68%; no homozygotes.

Submissions (7):

Labcorp Genetics (formerly Invitae), Labcorp
Classification: Benign for Charcot-Marie-Tooth disease type 4. Last evaluated: 2026-01-11. Review status: criteria provided, single submitter. Criteria: Invitae Variant Classification Sherloc (09022015). Collection method: clinical testing. Allele origin: germline.

Women's Health and Genetics/Laboratory Corporation of America, LabCorp
Classification: Likely benign. Last evaluated: 2025-01-14. Review status: criteria provided, single submitter. Criteria: LabCorp Variant Classification Summary - May 2015. Collection method: clinical testing. Allele origin: germline.

Ambry Genetics
Classification: Likely benign for Inborn genetic diseases. Last evaluated: 2019-07-11. Review status: criteria provided, single submitter. Criteria: Ambry Variant Classification Scheme 2023. Collection method: clinical testing. Allele origin: germline.

GeneDx
Classification: Likely benign. Last evaluated: 2019-07-03. Review status: criteria provided, single submitter. Criteria: GeneDx Variant Classification Process June 2021. Collection method: clinical testing. Allele origin: germline. Affected: yes.

Illumina Laboratory Services, Illumina
Classification: Likely benign for Charcot-Marie-Tooth disease type 4B1. Last evaluated: 2018-01-13. Review status: criteria provided, single submitter. Criteria: ICSL Variant Classification Criteria 13 December 2019. Collection method: clinical testing. Allele origin: germline.
Comment: This variant was observed in the ICSL laboratory as part of a predisposition screen in an ostensibly healthy population. It had not been previously curated by ICSL or reported in the Human Gene Mutation Database (HGMD: prior to June 1st, 2018), and was therefore a candidate for classification through an automated scoring system. Utilizing variant allele frequency, disease prevalence and penetrance estimates, and inheritance mode, an automated score was calculated to assess if this variant is too frequent to cause the disease. Based on the score and internal cut-off values, a variant classified as likely benign is not then subjected to further curation. The score for this variant resulted in a classification of likely benign for this disease.

Eurofins Ntd Llc (ga)
Classification: Likely benign. Last evaluated: 2017-01-17. Review status: criteria provided, single submitter. Criteria: EGL Classification Definitions 2015. Collection method: clinical testing. Allele origin: germline. Observed: 1 variant allele, 1 heterozygote.

PreventionGenetics, part of Exact Sciences
Classification: Likely benign for MTMR2-related condition. Last evaluated: 2020-02-14. Review status: no assertion criteria provided. Collection method: clinical testing. Allele origin: germline. Not counted in ClinVar's aggregate classification.
Comment: This variant is classified as likely benign based on ACMG/AMP sequence variant interpretation guidelines (Richards et al. 2015 PMID: 25741868, with internal and published modifications).

NM_016156.6(MTMR2):c.1488C>T (p.Thr496=)

Gene: MTMR2 (myotubularin related protein 2; minus strand). Cytogenetic location: 11q21.
Variant type: single nucleotide variant.
Coding change: c.1488C>T on transcript NM_016156.6 (MANE Select); coding-DNA position 1488, C replaced by T.
Protein change: p.Thr496=; no amino-acid change (threonine 496 retained).
Molecular consequence: synonymous variant.
Genome position (GRCh38, 1-based): chr11:95,838,199, G>A on the plus strand (C>T on the coding strand, the complement: MTMR2 is on the minus strand). VCF-style: chr11-95838199-G-A. GRCh37 (hg19) VCF-style: chr11-95571363-G-A.
Other names: c.1272C>T, p.Thr424= (NM_001243571.2, NM_201278.3, NM_201281.3).
Identifiers: ClinVar variation 306539 (VCV000306539.26), dbSNP rs112327353, ClinGen allele CA6239960.
Genomic context (GRCh38, chr11:95,838,199, plus strand): 5'-TAAGCAGCTGTATAGGTGGTCCAAAATGGTAATGAGAAAATACTCATTGAATTCAAATGC[G>A]GTAGGAAACTGCAAATCAAACATCACAAACACATAAATTAAGACATTCTTCAAGCATATT-3'
Protein context (NP_057240.3, residues 486-506): CVWQMTRQFP[Thr496=]AFEFNEYFLI